The following is an entry in ClinVar:

ClinVar aggregate classification (germline): Benign/Likely benign. Review status: criteria provided, multiple submitters, no conflicts (2 of 4 stars). 3 submissions from 3 submitters: Benign (1); Likely benign (2). Last evaluated 2024-09-08.

Conditions:
BAP1-related tumor predisposition syndrome (TPDS1). Also called: TUMOR PREDISPOSITION SYNDROME 1; COMMON Syndrome; Tumor susceptibility linked to germline BAP1 mutations; BAP1 tumor predisposition syndrome. Identifiers: Orphanet 289539, MedGen C3280492, MONDO:0013692, OMIM 614327.
Hereditary cancer-predisposing syndrome. Also called: Neoplastic Syndromes, Hereditary; Hereditary Cancer Syndrome; Tumor predisposition; Hereditary neoplastic syndrome. Identifiers: Orphanet 140162, MedGen C0027672, MeSH D009386, MONDO:0015356.

Allele frequency attached by ClinVar (database versions not stated): gnomAD exomes below 0.00001.

Submissions (3):

Ambry Genetics
Classification: Likely benign for Hereditary cancer-predisposing syndrome. Last evaluated: 2024-09-08. Review status: criteria provided, single submitter. Criteria: Ambry Variant Classification Scheme 2023. Collection method: clinical testing. Allele origin: germline.

Myriad Genetics, Inc.
Classification: Benign for BAP1-related tumor predisposition syndrome. Last evaluated: 2024-07-15. Review status: criteria provided, single submitter. Criteria: Myriad Autosomal Dominant, Autosomal Recessive and X-Linked Classification Criteria (2023). Collection method: clinical testing. Allele origin: unknown.
Comment: This variant is considered benign. This variant is a silent/synonymous amino acid change and it is not expected to impact splicing.

Labcorp Genetics (formerly Invitae), Labcorp
Classification: Likely benign for BAP1-related tumor predisposition syndrome. Last evaluated: 2021-09-19. Review status: criteria provided, single submitter. Criteria: Invitae Variant Classification Sherloc (09022015). Collection method: clinical testing. Allele origin: germline.

NM_004656.4(BAP1):c.1191T>C (p.Asp397=)

Gene: BAP1 (BRCA1 associated deubiquitinase 1; minus strand). Cytogenetic location: 3p21.1.
Variant type: single nucleotide variant.
Coding change: c.1191T>C on transcript NM_004656.4 (MANE Select); coding-DNA position 1191, T replaced by C.
Protein change: p.Asp397=; no amino-acid change (aspartic acid 397 retained).
Molecular consequence: synonymous variant.
Genome position (GRCh38, 1-based): chr3:52,404,512, A>G on the plus strand (T>C on the coding strand, the complement: BAP1 is on the minus strand). VCF-style: chr3-52404512-A-G. GRCh37 (hg19) VCF-style: chr3-52438528-A-G.
Other names: c.1191T>C (NM_004656.2).
Identifiers: ClinVar variation 1550409 (VCV001550409.10), dbSNP rs1273468859, ClinGen allele CA433773988.